The following is an entry in ClinVar:

ClinVar aggregate classification (germline): Pathogenic. Review status: criteria provided, multiple submitters, no conflicts (2 of 4 stars). 9 submissions from 8 submitters: Pathogenic (8). 1 of the submissions does not count toward it. Last evaluated 2026-01-13.

Conditions:
CRB1-related disorder. Also called: CRB1-related condition; CRB1-related disorders.
Leber congenital amaurosis 8 (LCA8). Identifiers: Orphanet 65, MedGen C3151202, MONDO:0013453, OMIM 613835.
Retinitis pigmentosa 12 (RP12). Also called: RP WITH OR WITHOUT PPRPE; RP WITH OR WITHOUT PRESERVED PARAARTERIOLE RETINAL PIGMENT EPITHELIUM; RETINITIS PIGMENTOSA WITH OR WITHOUT PARAARTERIOLAR PRESERVATION OF RETINAL PIGMENT EPITHELIUM. Identifiers: Orphanet 791, MedGen C1838647, MONDO:0010818, OMIM 600105.
Retinitis pigmentosa (RP). Identifiers: Orphanet 791, MedGen C0035334, MeSH D012174, MONDO:0019200, OMIM 268000. Inheritance: Autosomal dominant, autosomal recessive and X linked inheritance.

gnomAD v4.1: 7 of 1,581,948 alleles (0.00044%); highest among the groups gnomAD compares: Admixed American, 0.0067%; no homozygotes.

Submissions (9):

3billion
Classification: Pathogenic for CRB1-related disorder. Last evaluated: 2026-01-13. Review status: criteria provided, single submitter. Criteria: ACMG Guidelines, 2015. Collection method: clinical testing. Allele origin: germline. Affected: yes.
Comment: The variant is observed at an extremely low frequency in the gnomAD v4.1.0 dataset (total allele frequency: <0.001%). Predicted Consequence/Location: Stop-gained (nonsense): predicted to result in a loss or disruption of normal protein function through nonsense-mediated decay (NMD) or protein truncation. Multiple pathogenic variants are reported downstream of the variant. The variant has been reported at least twice as pathogenic with clinical assertions and evidence for the classification (ClinVar ID: VCV000285386 /PMID: 30718709). Therefore, this variant is classified as Pathogenic according to the recommendation of ACMG/AMP guideline.

Labcorp Genetics (formerly Invitae), Labcorp
Classification: Pathogenic for Leber congenital amaurosis 8; Retinitis pigmentosa 12. Last evaluated: 2025-10-29. Review status: criteria provided, single submitter. Criteria: Invitae Variant Classification Sherloc (09022015). Collection method: clinical testing. Allele origin: germline.
Comment: This sequence change creates a premature translational stop signal (p.Cys394*) in the CRB1 gene. It is expected to result in an absent or disrupted protein product. Loss-of-function variants in CRB1 are known to be pathogenic (PMID: 10508521, 22065545, 23379534, 25412400, 26957898, 28041643, 29391521). This variant is present in population databases (no rsID available, gnomAD 0.009%). This premature translational stop signal has been observed in individual(s) with clinical features of retinitis pigmentosa (PMID: 30718709). ClinVar contains an entry for this variant (Variation ID: 285386). For these reasons, this variant has been classified as Pathogenic.

Blueprint Genetics
Classification: Pathogenic for CRB1-related disorders. Last evaluated: 2024-08-22. Review status: criteria provided, single submitter. Criteria: ACMG Guidelines, 2015. Collection method: clinical testing. Allele origin: germline. Affected: yes. Observed: 2 variant alleles.

Genome-Nilou Lab
Classification: Pathogenic for Leber congenital amaurosis 8. Last evaluated: 2023-04-11. Review status: criteria provided, single submitter. Criteria: ACMG Guidelines, 2015. Collection method: clinical testing. Allele origin: germline. Affected: no.

Genome-Nilou Lab
Classification: Pathogenic for Retinitis pigmentosa 12. Last evaluated: 2023-04-11. Review status: criteria provided, single submitter. Criteria: ACMG Guidelines, 2015. Collection method: clinical testing. Allele origin: germline. Affected: no.

Baylor Genetics
Classification: Pathogenic for Leber congenital amaurosis 8. Last evaluated: 2022-08-27. Review status: criteria provided, single submitter. Criteria: ACMG Guidelines, 2015. Collection method: clinical testing. Allele origin: unknown.

Institute of Medical Genetics and Applied Genomics, University Hospital Tübingen
Classification: Pathogenic. Last evaluated: 2021-09-15. Review status: criteria provided, single submitter. Criteria: ACMG Guidelines, 2015. Collection method: clinical testing. Allele origin: germline. Inheritance: Autosomal recessive inheritance. Affected: yes.

Eurofins Ntd Llc (ga)
Classification: Pathogenic. Last evaluated: 2016-01-20. Review status: criteria provided, single submitter. Criteria: EGL Classification Definitions 2015. Collection method: clinical testing. Allele origin: germline. Observed: 1 variant allele, 1 heterozygote.

Department of Clinical Genetics, Copenhagen University Hospital, Rigshospitalet
Classification: Likely pathogenic for Retinitis pigmentosa. Last evaluated: 2018-04-01. Review status: no assertion criteria provided. Collection method: research. Allele origin: unknown. Affected: yes. Study: VeluxRD. Not counted in ClinVar's aggregate classification.

Literature cited by the submitters: PubMed 30718709 (cited by 3 submitters); PubMed 10508521 (cited by Labcorp Genetics (formerly Invitae), Labcorp); PubMed 22065545 (cited by Labcorp Genetics (formerly Invitae), Labcorp); PubMed 23379534 (cited by Labcorp Genetics (formerly Invitae), Labcorp); PubMed 25412400 (cited by Labcorp Genetics (formerly Invitae), Labcorp); PubMed 26957898 (cited by Labcorp Genetics (formerly Invitae), Labcorp); PubMed 28041643 (cited by Labcorp Genetics (formerly Invitae), Labcorp); PubMed 29391521 (cited by Labcorp Genetics (formerly Invitae), Labcorp).

NM_201253.3(CRB1):c.1182C>A (p.Cys394Ter)

Gene: CRB1 (crumbs cell polarity complex component 1; plus strand). Cytogenetic location: 1q31.3.
Variant type: single nucleotide variant.
Coding change: c.1182C>A on transcript NM_201253.3 (MANE Select); coding-DNA position 1182, C replaced by A.
Protein change: p.Cys394Ter; replaces cysteine 394 with a stop codon.
Molecular consequence: nonsense. On other transcripts: non-coding transcript variant (2).
Genome position (GRCh38, 1-based): chr1:197,421,010, C>A. VCF-style: chr1-197421010-C-A. GRCh37 (hg19) VCF-style: chr1-197390140-C-A.
Other names: c.846C>A, p.Cys282Ter (NM_001193640.2); c.975C>A, p.Cys325Ter (NM_001257965.2); c.1182C>A, p.Cys394Ter (NM_001257966.2); short protein forms C394*, C282*, C325*.
Identifiers: ClinVar variation 285386 (VCV000285386.17), dbSNP rs115352681, ClinGen allele CA10605094.